The following is an entry in ClinVar:

NM_001170629.2(CHD8):c.3790_3796del (p.Glu1264fs)

Gene: CHD8 (chromodomain helicase DNA binding protein 8; minus strand). Cytogenetic location: 14q11.2.
Variant type: Deletion.
Coding change: c.3790_3796del on transcript NM_001170629.2 (MANE Select); coding-DNA positions 3790 to 3796, 7 bases deleted (GAGAGAG; older notation c.3790_3796delGAGAGAG).
Protein change: p.Glu1264fs; shifts the reading frame from glutamic acid 1264.
Molecular consequence: frameshift variant.
Genome position (GRCh38, 1-based): chr14:21,402,422-21,402,428, CTCTCTC deleted on the plus strand (GAGAGAG on the coding strand, the reverse complement: CHD8 is on the minus strand). VCF-style (leftmost placement, unchanged base first): chr14-21402421-TCTCTCTC-T. GRCh37 (hg19) VCF-style: chr14-21870580-TCTCTCTC-T.
Other names: c.2953_2959del, p.Glu985fs (NM_020920.4); short protein forms E1264fs, E985fs.
Identifiers: ClinVar variation 1699441 (VCV001699441.3), dbSNP rs2139467241, ClinGen allele CA2573130279.

ClinVar aggregate classification (germline): Pathogenic (1 of 4 stars; one submission).

Conditions:
Intellectual developmental disorder with autism and macrocephaly. Also called: Autism, susceptibility to, 18; CHD8-Related Neurodevelopmental Disorder with Overgrowth. Identifiers: Orphanet 642675, MedGen C3554373, MONDO:0014017, OMIM 615032.

Submission:

Victorian Clinical Genetics Services, Murdoch Childrens Research Institute
Classification: Pathogenic for Intellectual developmental disorder with autism and macrocephaly. Last evaluated: 2022-06-24. Review status: criteria provided, single submitter. Criteria: ACMG Guidelines, 2015. Collection method: clinical testing. Allele origin: germline. Inheritance: Autosomal dominant inheritance. Affected: yes.
Comment: Based on the classification scheme VCGS_Germline_v1.3.4, this variant is classified as Pathogenic. Following criteria are met: 0102 - Loss of function is a known mechanism of disease in this gene and is associated with Intellectual developmental disorder with autism and macrocephaly (MIM#615032). (I) 0107 - This gene is associated with autosomal dominant disease. (I) 0201 - Variant is predicted to cause nonsense-mediated decay (NMD) and loss of protein (premature termination codon is located at least 54 nucleotides upstream of the final exon-exon junction). (SP) 0251 - This variant is heterozygous. (I) 0301 - Variant is absent from gnomAD (both v2 and v3). (SP) 0701 - Other NMD-predicted variants comparable to the one identified in this case have very strong previous evidence for pathogenicity (ClinVar). (SP) 0807 - This variant has no previous evidence of pathogenicity. (I) 0905 - No published segregation evidence has been identified for this variant. (I) 1007 - No published functional evidence has been identified for this variant. (I) 1208 - Inheritance information for this variant is not currently available in this individual. (I) Legend: (SP) - Supporting pathogenic, (I) - Information, (SB) - Supporting benign